The following is an entry in ClinVar:

NM_006208.3(ENPP1):c.1831C>G (p.Leu611Val)

Gene: ENPP1 (ectonucleotide pyrophosphatase/phosphodiesterase 1; plus strand). Cytogenetic location: 6q23.2.
Variant type: single nucleotide variant.
Coding change: c.1831C>G on transcript NM_006208.3 (MANE Select); coding-DNA position 1831, C replaced by G.
Protein change: p.Leu611Val; replaces leucine 611 with valine.
Molecular consequence: missense variant.
Genome position (GRCh38, 1-based): chr6:131,877,099, C>G. VCF-style: chr6-131877099-C-G. GRCh37 (hg19) VCF-style: chr6-132198239-C-G.
Other names: short protein forms L611V.
Identifiers: ClinVar variation 161093 (VCV000161093.44), dbSNP rs79079368, ClinGen allele CA347731.

ClinVar aggregate classification (germline): Benign/Likely benign. Review status: criteria provided, multiple submitters, no conflicts (2 of 4 stars). 11 submissions from 10 submitters: Benign (5); Likely benign (4). 2 of the submissions do not count toward it. Last evaluated 2026-07-01.

Conditions:
Hypophosphatemic rickets. Identifiers: MedGen C1704375, MeSH D063730, MONDO:0024300, HP:0004912.
Hypophosphatemic rickets, autosomal recessive, 2 (ARHR2). Identifiers: Orphanet 289176, MedGen C2750078, MONDO:0013219, OMIM 613312.
Arterial calcification, generalized, of infancy, 1 (GACI1). Also called: Idiopathic Infantile Arterial Calcification. Identifiers: Orphanet 51608, MedGen C4551985, MONDO:0008817, OMIM 208000.

Allele frequency attached by ClinVar (database versions not stated): gnomAD exomes 0.00656; ESP Exome Variant Server 0.01445; gnomAD 0.01455; 1000 Genomes Project 0.02536; ExAC 0.00807; TOPMed 0.01493; 1000 Genomes Project 30x 0.02592.
gnomAD v4.1: 6,731 of 1,614,056 alleles (0.42%); highest among the groups gnomAD compares: African/African-American, 4.9%; 150 homozygotes.

Submissions (11):

CeGaT Center for Human Genetics Tuebingen
Classification: Benign. Last evaluated: 2026-07-01. Review status: criteria provided, single submitter. Criteria: CeGaT Center For Human Genetics Tuebingen Variant Classification Criteria Version 2. Collection method: clinical testing. Allele origin: germline. Affected: yes. Observed: 4 variant alleles.
Comment: ENPP1: BP4, BS1, BS2

Labcorp Genetics (formerly Invitae), Labcorp
Classification: Benign. Last evaluated: 2026-01-28. Review status: criteria provided, single submitter. Criteria: Invitae Variant Classification Sherloc (09022015). Collection method: clinical testing. Allele origin: germline.

Women's Health and Genetics/Laboratory Corporation of America, LabCorp
Classification: Likely benign. Last evaluated: 2025-10-24. Review status: criteria provided, single submitter. Criteria: LabCorp Variant Classification Summary - May 2015. Collection method: clinical testing. Allele origin: germline.
Comment: Variant summary: ENPP1 c.1831C>G (p.Leu611Val) results in a conservative amino acid change in the encoded protein sequence. Algorithms developed to predict the effect of missense changes on protein structure and function all suggest that this variant is likely to be tolerated. The variant allele was found at a frequency of 0.0066 in 251036 control chromosomes (29 homozygotes), predominantly at a frequency of 0.048 within the African or African-American subpopulation in the gnomAD database, including 13 homozygotes. The observed variant frequency within African or African-American control individuals in the gnomAD database exceeds the estimated maximal expected allele frequency for disease-causing variants in ENPP1. c.1831C>G has been observed in individual(s) affected with ENPP1-Related Disorders without strong evidence for causality (examples: Rutsch_2003, Ralph_2022, Marik_2022, Mercurio_2022). These report(s) do not provide unequivocal conclusions about association of the variant with ENPP1-Related Disorders. One publication reports experimental evidence evaluating an impact on protein function, however, does not allow convincing conclusions about the variant effect (Rutsch_2003). The following publications have been ascertained in the context of this evaluation (PMID: 12881724, 35475527, 35738466, 36150100). ClinVar contains an entry for this variant (Variation ID: 161093). Based on the evidence outlined above, the variant was classified as likely benign.

Mayo Clinic Laboratories, Mayo Clinic
Classification: Benign. Last evaluated: 2025-03-14. Review status: criteria provided, single submitter. Criteria: ACMG Guidelines, 2015. Collection method: clinical testing. Allele origin: germline. Observed: 1 variant allele.
Comment: BS1, BS2, BS3_moderate, BP4_moderate

Laboratory for Molecular Medicine, Mass General Brigham Personalized Medicine
Classification: Likely benign. Last evaluated: 2024-03-20. Review status: criteria provided, single submitter. Criteria: ACMG Guidelines, 2015. Collection method: clinical testing. Allele origin: germline.
Comment: The p.Leu611Val variant in ENPP1 is classified as likely benign because it has been identified in 4.9% (3694/75028) of African chromosomes, including 150 total homozygotes by gnomAD (v.4.0.0). In addition, computational prediction tools predict that this variant does not impact the protein. ACMG/AMP Criteria applied: BS1, BP4.

GeneDx
Classification: Benign. Last evaluated: 2019-04-16. Review status: criteria provided, single submitter. Criteria: GeneDx Variant Classification Process June 2021. Collection method: clinical testing. Allele origin: germline. Affected: yes.
Comment: This variant is associated with the following publications: (PMID: 27884173, 12881724, 21228398, 20981092, 22995991)

Eurofins Ntd Llc (ga)
Classification: Benign. Last evaluated: 2018-06-28. Review status: criteria provided, single submitter. Criteria: EGL ClinVar v180209 classification definitions. Collection method: clinical testing. Allele origin: germline. Observed: 1 variant allele, 1 heterozygote.

Illumina Laboratory Services, Illumina
Classification: Likely benign for Arterial calcification, generalized, of infancy, 1. Last evaluated: 2017-04-27. Review status: criteria provided, single submitter. Criteria: ICSL Variant Classification Criteria 13 December 2019. Collection method: clinical testing. Allele origin: germline.
Comment: This variant was observed as part of a predisposition screen in an ostensibly healthy population. A literature search was performed for the gene, cDNA change, and amino acid change (where applicable). Publications were found based on this search. The evidence from the literature, in combination with allele frequency data from public databases where available, was sufficient to determine this variant is unlikely to cause disease. Therefore, this variant is classified as likely benign.

Illumina Laboratory Services, Illumina
Classification: Likely benign for Hypophosphatemic rickets, autosomal recessive, 2. Last evaluated: 2017-04-27. Review status: criteria provided, single submitter. Criteria: ICSL Variant Classification Criteria 13 December 2019. Collection method: clinical testing. Allele origin: germline.
Comment: This variant was observed as part of a predisposition screen in an ostensibly healthy population. A literature search was performed for the gene, cDNA change, and amino acid change (where applicable). No publications were found based on this search. Allele frequency data from public databases allowed determination this variant is unlikely to cause disease. Therefore, this variant is classified as likely benign.

GeneReviews
No classification provided. Condition: Arterial calcification, generalized, of infancy, 1. Review status: no classification provided. Collection method: literature only. Allele origin: germline. Affected: yes. Not counted in ClinVar's aggregate classification.

Laboratory of Cyto-molecular Genetics, Department of Anatomy, All India Institute of Medical Sciences (AIIMS), New Delhi
Classification: Likely pathogenic for Hypophosphatemic rickets. Last evaluated: 2022-03-07. Review status: flagged submission. Criteria: ACMG Guidelines, 2015. Collection method: clinical testing. Allele origin: germline. Affected: yes. Observed: 2 variant alleles. Not counted in ClinVar's aggregate classification.
Comment: p.(Leu611Val), missense variant
ClinVar note: Reason: Outlier claim with insufficient supporting evidence

Literature cited by the submitters: PubMed 35738466 (cited by 3 submitters); PubMed 35475527 (cited by Women's Health and Genetics/Laboratory Corporation of America, LabCorp); PubMed 36150100 (cited by Women's Health and Genetics/Laboratory Corporation of America, LabCorp); PubMed 12881724 (cited by 3 submitters); NCBI Bookshelf NBK253403 (cited by GeneReviews).